The following is an entry in ClinVar:

NM_022173.4(TIA1):c.764+16_764+17insTGGTTTTTTTTTTTTTTTTTTNNNNNNNNNNNCTCCCAAAGTGCTGGGATTACAGGCGTGAGCCACCGCGCCCGGCC

Gene: TIA1 (TIA1 cytotoxic granule associated RNA binding protein; minus strand). Cytogenetic location: 2p13.3.
Variant type: Microsatellite.
Coding change: c.764+16_764+17insTGGTTTTTTTTTTTTTTTTTTNNNNNNNNNNNCTCCCAAAGTGCTGGGATTACAGGCGTGAGCCACCGCGCCCGGCC on transcript NM_022173.4 (MANE Select); bases 16 to 17 of the intron after coding-DNA position 764, TGGTTTTTTTTTTTTTTTTTTNNNNNNNNNNNCTCCCAAAGTGCTGGGATTACAGGCGTGAGCCACCGCGCCCGGCC inserted.
Molecular consequence: intron variant. On other transcripts: 3 prime UTR variant (1).
Genome position: GRCh38: chr2:70,216,192-70,216,200. GRCh37 (hg19), VCF-style position (the base before the change): chr2:70,443,323.
Other names: c.*12_*13insTTTTTTTTTTTTNNNNNNNNNNNCTCCCAAAGTGCTGGGATTACAGGCGTGAGCCACCGCGCCCGGCCTGGTTTTTT (NM_001351516.2); c.620+16_620+17insTGGTTTTTTTTTTTTTTTTTTNNNNNNNNNNNCTCCCAAAGTGCTGGGATTACAGGCGTGAGCCACCGCGCCCGGCC (NM_001351513.1); c.653+16_653+17insTGGTTTTTTTTTTTTTTTTTTNNNNNNNNNNNCTCCCAAAGTGCTGGGATTACAGGCGTGAGCCACCGCGCCCGGCC (NM_001351511.1); c.626+16_626+17insTGGTTTTTTTTTTTTTTTTTTNNNNNNNNNNNCTCCCAAAGTGCTGGGATTACAGGCGTGAGCCACCGCGCCCGGCC (NM_001351512.1); c.536+16_536+17insTGGTTTTTTTTTTTTTTTTTTNNNNNNNNNNNCTCCCAAAGTGCTGGGATTACAGGCGTGAGCCACCGCGCCCGGCC (NM_001351514.2); c.344+16_344+17insTGGTTTTTTTTTTTTTTTTTTNNNNNNNNNNNCTCCCAAAGTGCTGGGATTACAGGCGTGAGCCACCGCGCCCGGCC (NM_001351524.2, NM_001351517.2, NM_001351525.2); c.731+16_731+17insTGGTTTTTTTTTTTTTTTTTTNNNNNNNNNNNCTCCCAAAGTGCTGGGATTACAGGCGTGAGCCACCGCGCCCGGCC (NM_001351510.2, NM_022037.4); c.461+16_461+17insTGGTTTTTTTTTTTTTTTTTTNNNNNNNNNNNCTCCCAAAGTGCTGGGATTACAGGCGTGAGCCACCGCGCCCGGCC (NM_001351515.2); and 2 more.
Identifiers: ClinVar variation 2706547 (VCV002706547.3).

ClinVar aggregate classification (germline): Uncertain significance (1 of 4 stars; one submission).

Conditions:
Welander distal myopathy (WDM). Also called: MUSCULAR DYSTROPHY, DISTAL, LATE-ONSET, AUTOSOMAL DOMINANT; Gower's muscular dystrophy; Welander distal myopathy, Swedish type; Distal myopathy, Swedish type. Identifiers: Orphanet 603, MedGen C0221054, MONDO:0011466, OMIM 604454.

Submission:

Labcorp Genetics (formerly Invitae), Labcorp
Classification: Uncertain significance for Welander distal myopathy. Last evaluated: 2023-12-30. Review status: criteria provided, single submitter. Criteria: Invitae Variant Classification Sherloc (09022015). Collection method: clinical testing. Allele origin: germline.
Comment: This sequence change falls in intron 10 of the TIA1 gene. It does not directly change the encoded amino acid sequence of the TIA1 protein. This variant is not present in population databases (gnomAD no frequency). This variant has not been reported in the literature in individuals affected with TIA1-related conditions. Experimental studies and prediction algorithms are not available or were not evaluated, and the effect of this variant on mRNA splicing is currently unknown. In summary, the available evidence is currently insufficient to determine the role of this variant in disease. Therefore, it has been classified as a Variant of Uncertain Significance.